The following is an entry in ClinVar:

NM_004281.4(BAG3):c.744C>A (p.His248Gln)

Gene: BAG3 (BAG cochaperone 3; plus strand). Cytogenetic location: 10q26.11.
Variant type: single nucleotide variant.
Coding change: c.744C>A on transcript NM_004281.4 (MANE Select); coding-DNA position 744, C replaced by A.
Protein change: p.His248Gln; replaces histidine 248 with glutamine.
Molecular consequence: missense variant.
Genome position (GRCh38, 1-based): chr10:119,672,491, C>A. VCF-style: chr10-119672491-C-A. GRCh37 (hg19) VCF-style: chr10-121432003-C-A.
Other names: short protein forms H248Q.
Identifiers: ClinVar variation 4789906 (VCV004789906.1).

ClinVar aggregate classification (germline): Uncertain significance (1 of 4 stars; one submission).

Conditions:
Myofibrillar myopathy 6. Identifiers: Orphanet 199340, MedGen C2751831, MONDO:0013061, OMIM 612954.
Dilated cardiomyopathy 1HH (CMD1HH). Identifiers: Orphanet 154, MedGen C3151293, MONDO:0013479, OMIM 613881.

Submission:

Labcorp Genetics (formerly Invitae), Labcorp
Classification: Uncertain significance for Dilated cardiomyopathy 1HH; Myofibrillar myopathy 6. Last evaluated: 2026-01-12. Review status: criteria provided, single submitter. Criteria: Invitae Variant Classification Sherloc (09022015). Collection method: clinical testing. Allele origin: germline.
Comment: This sequence change replaces histidine, which is basic and polar, with glutamine, which is neutral and polar, at codon 248 of the BAG3 protein (p.His248Gln). This variant is not present in population databases (gnomAD no frequency). This variant has not been reported in the literature in individuals affected with BAG3-related conditions. Invitae Evidence Modeling of protein sequence and biophysical properties (such as structural, functional, and spatial information, amino acid conservation, physicochemical variation, residue mobility, and thermodynamic stability) indicates that this missense variant is not expected to disrupt BAG3 protein function with a negative predictive value of 80%. In summary, the available evidence is currently insufficient to determine the role of this variant in disease. Therefore, it has been classified as a Variant of Uncertain Significance.